The following is an entry in ClinVar:

NM_152564.5(VPS13B):c.5980G>A (p.Asp1994Asn)

Gene: VPS13B (vacuolar protein sorting 13 homolog B; plus strand). Cytogenetic location: 8q22.2.
Variant type: single nucleotide variant.
Coding change: c.5980G>A on transcript NM_152564.5 (MANE Select); coding-DNA position 5980, G replaced by A.
Protein change: p.Asp1994Asn; replaces aspartic acid 1994 with asparagine.
Molecular consequence: missense variant.
Genome position (GRCh38, 1-based): chr8:99,661,425, G>A. VCF-style: chr8-99661425-G-A. GRCh37 (hg19) VCF-style: chr8-100673653-G-A.
Other names: c.6055G>A (NM_017890.3); c.6055G>A, p.Asp2019Asn (NM_017890.5); short protein forms D1994N, D2019N.
Identifiers: ClinVar variation 2179163 (VCV002179163.6), dbSNP rs1563849907, ClinGen allele CA371868938.

ClinVar aggregate classification (germline): Uncertain significance. Review status: criteria provided, multiple submitters, no conflicts (2 of 4 stars). 3 submissions from 3 submitters: Uncertain significance (3). Last evaluated 2025-03-06.

Conditions:
VPS13B-related disorder. Also called: VPS13B-related condition.
Inborn genetic diseases. Identifiers: MedGen C0950123, MeSH D030342.
Cohen syndrome (COH1). Also called: PEPPER SYNDROME; Cutis verticis gyrata, retinitis pigmentosa, and sensorineural deafness. Identifiers: Orphanet 193, MedGen C0265223, MONDO:0008999, OMIM 216550.

Allele frequency attached by ClinVar (database versions not stated): gnomAD exomes below 0.00001.
gnomAD v4.1: 1 of 1,613,750 alleles (0.000062%); highest among the groups gnomAD compares: Non-Finnish European, 0.000085%; no homozygotes.

Submissions (3):

Ambry Genetics
Classification: Uncertain significance for Inborn genetic diseases. Last evaluated: 2025-03-06. Review status: criteria provided, single submitter. Criteria: Ambry Variant Classification Scheme 2023. Collection method: clinical testing. Allele origin: germline.

PreventionGenetics, part of Exact Sciences
Classification: Uncertain significance for VPS13B-related condition. Last evaluated: 2022-11-22. Review status: criteria provided, single submitter. Criteria: ACMG Guidelines, 2015. Collection method: clinical testing. Allele origin: germline.
Comment: The VPS13B c.5980G>A variant is predicted to result in the amino acid substitution p.Asp1994Asn. To our knowledge, this variant has not been reported in the literature or in a large population database, indicating this variant is rare. At this time, the clinical significance of this variant is uncertain due to the absence of conclusive functional and genetic evidence.

Labcorp Genetics (formerly Invitae), Labcorp
Classification: Uncertain significance for Cohen syndrome. Last evaluated: 2022-05-08. Review status: criteria provided, single submitter. Criteria: Invitae Variant Classification Sherloc (09022015). Collection method: clinical testing. Allele origin: germline.
Comment: In summary, the available evidence is currently insufficient to determine the role of this variant in disease. Therefore, it has been classified as a Variant of Uncertain Significance. Algorithms developed to predict the effect of missense changes on protein structure and function are either unavailable or do not agree on the potential impact of this missense change (SIFT: "Not Available"; PolyPhen-2: "Probably Damaging"; Align-GVGD: "Not Available"). This variant has not been reported in the literature in individuals affected with VPS13B-related conditions. This variant is not present in population databases (gnomAD no frequency). This sequence change replaces aspartic acid, which is acidic and polar, with asparagine, which is neutral and polar, at codon 2019 of the VPS13B protein (p.Asp2019Asn).